The following is an entry in ClinVar:

ClinVar aggregate classification (germline): Conflicting classifications of pathogenicity. Review status: criteria provided, conflicting classifications (1 of 4 stars). 5 submissions from 5 submitters: Uncertain significance (4); Likely benign (1). Last evaluated 2025-11-18.

Conditions:
RP1-related disorder. Also called: RP1-related condition.
Inborn genetic diseases. Identifiers: MedGen C0950123, MeSH D030342.

Allele frequency attached by ClinVar (database versions not stated): gnomAD 0.00004; gnomAD exomes 0.00005; ExAC 0.00006; TOPMed 0.00007.
gnomAD v4.1: 66 of 1,610,218 alleles (0.0041%); highest among the groups gnomAD compares: Non-Finnish European, 0.0051%; no homozygotes.

Submissions (5):

Labcorp Genetics (formerly Invitae), Labcorp
Classification: Uncertain significance. Last evaluated: 2025-11-18. Review status: criteria provided, single submitter. Criteria: Invitae Variant Classification Sherloc (09022015). Collection method: clinical testing. Allele origin: germline.
Comment: This sequence change replaces arginine, which is basic and polar, with isoleucine, which is neutral and non-polar, at codon 780 of the RP1 protein (p.Arg780Ile). This variant is present in population databases (rs762382791, gnomAD 0.009%). This missense change has been observed in individual(s) with clinical features of RP1-related conditions (PMID: 38927702). ClinVar contains an entry for this variant (Variation ID: 871849). An algorithm developed to predict the effect of missense changes on protein structure and function (PolyPhen-2) suggests that this variant is likely to be disruptive. In summary, the available evidence is currently insufficient to determine the role of this variant in disease. Therefore, it has been classified as a Variant of Uncertain Significance.

Ambry Genetics
Classification: Uncertain significance for Inborn genetic diseases. Last evaluated: 2025-08-29. Review status: criteria provided, single submitter. Criteria: Ambry Variant Classification Scheme 2023. Collection method: clinical testing. Allele origin: germline.

PreventionGenetics, part of Exact Sciences
Classification: Uncertain significance for RP1-related condition. Last evaluated: 2025-02-17. Review status: criteria provided, single submitter. Criteria: ACMG Guidelines, 2015. Collection method: clinical testing. Allele origin: germline.
Comment: The RP1 c.2339G>T variant is predicted to result in the amino acid substitution p.Arg780Ile. This variant has been reported in an individual with retinal dystrophy (Table S4, Mihalich et al. 2024. PubMed ID: 38927702). This variant is reported in 0.0098% of alleles in individuals of European (Non-Finnish) descent in gnomAD. At this time, the clinical significance of this variant is uncertain due to the absence of conclusive functional and genetic evidence.

Blueprint Genetics
Classification: Uncertain significance. Last evaluated: 2024-08-28. Review status: criteria provided, single submitter. Criteria: ACMG Guidelines, 2015. Collection method: clinical testing. Allele origin: germline.

CeGaT Center for Human Genetics Tuebingen
Classification: Likely benign. Last evaluated: 2019-07-01. Review status: criteria provided, single submitter. Criteria: CeGaT Center For Human Genetics Tuebingen Variant Classification Criteria Version 2. Collection method: clinical testing. Allele origin: germline. Affected: yes. Observed: 1 variant allele.

Literature cited by the submitters: PubMed 38927702 (cited by Labcorp Genetics (formerly Invitae), Labcorp).

NM_006269.2(RP1):c.2339G>T (p.Arg780Ile)

Gene: RP1 (RP1 axonemal microtubule associated; plus strand). Cytogenetic location: 8q12.1.
Variant type: single nucleotide variant.
Coding change: c.2339G>T on transcript NM_006269.2 (MANE Select); coding-DNA position 2339, G replaced by T.
Protein change: p.Arg780Ile; replaces arginine 780 with isoleucine.
Molecular consequence: missense variant. On other transcripts: intron variant (1).
Genome position (GRCh38, 1-based): chr8:54,626,221, G>T. VCF-style: chr8-54626221-G-T. GRCh37 (hg19) VCF-style: chr8-55538781-G-T.
Other names: c.787+3933G>T (NM_001375654.1); short protein forms R780I.
Identifiers: ClinVar variation 871849 (VCV000871849.53), dbSNP rs762382791, ClinGen allele CA4751508.